The following is an entry in ClinVar:

ClinVar aggregate classification (germline): Conflicting classifications of pathogenicity. Review status: criteria provided, conflicting classifications (1 of 4 stars). 2 submissions from 2 submitters: Uncertain significance (1); Likely benign (1). Last evaluated 2025-08-02.

Conditions:
Inborn genetic diseases. Identifiers: MedGen C0950123, MeSH D030342.
Immunodeficiency, common variable, 7. Identifiers: Orphanet 1572, Orphanet 696894, MedGen C3542922, MONDO:0013862, OMIM 614699.

Allele frequency attached by ClinVar (database versions not stated): 1000 Genomes Project 30x 0.00031; gnomAD 0.00006 and 0.00007; ExAC 0.00003; 1000 Genomes Project 0.00020; gnomAD exomes 0.00003 and 0.00001; TOPMed 0.00011; ESP Exome Variant Server 0.00015.

Submissions (2):

Ambry Genetics
Classification: Likely benign for Inborn genetic diseases. Last evaluated: 2025-08-02. Review status: criteria provided, single submitter. Criteria: Ambry Variant Classification Scheme 2023. Collection method: clinical testing. Allele origin: germline.

Labcorp Genetics (formerly Invitae), Labcorp
Classification: Uncertain significance for Immunodeficiency, common variable, 7. Last evaluated: 2021-12-25. Review status: criteria provided, single submitter. Criteria: Invitae Variant Classification Sherloc (09022015). Collection method: clinical testing. Allele origin: germline.
Comment: Algorithms developed to predict the effect of missense changes on protein structure and function output the following: SIFT: "Tolerated"; PolyPhen-2: "Benign"; Align-GVGD: "Class C0". The glutamic acid amino acid residue is found in multiple mammalian species, which suggests that this missense change does not adversely affect protein function. This sequence change replaces glycine, which is neutral and non-polar, with glutamic acid, which is acidic and polar, at codon 563 of the CR2 protein (p.Gly563Glu). This variant is present in population databases (rs146749523, gnomAD 0.04%). This variant has not been reported in the literature in individuals affected with CR2-related conditions. ClinVar contains an entry for this variant (Variation ID: 649091). In summary, the available evidence is currently insufficient to determine the role of this variant in disease. Therefore, it has been classified as a Variant of Uncertain Significance.

NM_001006658.3(CR2):c.1688G>A (p.Gly563Glu)

Gene: CR2 (complement C3d receptor 2; plus strand). Cytogenetic location: 1q32.2.
Variant type: single nucleotide variant.
Coding change: c.1688G>A on transcript NM_001006658.3 (MANE Select); coding-DNA position 1688, G replaced by A.
Protein change: p.Gly563Glu; replaces glycine 563 with glutamic acid.
Molecular consequence: missense variant.
Genome position (GRCh38, 1-based): chr1:207,472,889, G>A. VCF-style: chr1-207472889-G-A. GRCh37 (hg19) VCF-style: chr1-207646234-G-A.
Other names: c.1688G>A, p.Gly563Glu (NM_001877.5); short protein forms G563E.
Identifiers: ClinVar variation 649091 (VCV000649091.9), dbSNP rs146749523, ClinGen allele CA1368795.